The following is an entry in ClinVar:

ClinVar aggregate classification (germline): Uncertain significance (1 of 4 stars; one submission).

Conditions:
Retinitis pigmentosa 59 (RP59). Identifiers: Orphanet 791, MedGen C3151227, MONDO:0013468, OMIM 613861.

Submission:

Labcorp Genetics (formerly Invitae), Labcorp
Classification: Uncertain significance for Retinitis pigmentosa 59. Last evaluated: 2024-02-16. Review status: criteria provided, single submitter. Criteria: Invitae Variant Classification Sherloc (09022015). Collection method: clinical testing. Allele origin: germline.
Comment: This sequence change replaces phenylalanine, which is neutral and non-polar, with tyrosine, which is neutral and polar, at codon 15 of the DHDDS protein (p.Phe15Tyr). This variant is not present in population databases (gnomAD no frequency). This variant has not been reported in the literature in individuals affected with DHDDS-related conditions. An algorithm developed to predict the effect of missense changes on protein structure and function (PolyPhen-2) suggests that this variant is likely to be tolerated. In summary, the available evidence is currently insufficient to determine the role of this variant in disease. Therefore, it has been classified as a Variant of Uncertain Significance.

NM_205861.3(DHDDS):c.44T>A (p.Phe15Tyr)

Gene: DHDDS (dehydrodolichyl diphosphate synthase subunit; plus strand). Cytogenetic location: 1p36.11.
Variant type: single nucleotide variant.
Coding change: c.44T>A on transcript NM_205861.3 (MANE Select); coding-DNA position 44, T replaced by A.
Protein change: p.Phe15Tyr; replaces phenylalanine 15 with tyrosine.
Molecular consequence: missense variant. On other transcripts: 5 prime UTR variant (1).
Genome position (GRCh38, 1-based): chr1:26,432,989, T>A. VCF-style: chr1-26432989-T-A. GRCh37 (hg19) VCF-style: chr1-26759480-T-A.
Other names: c.44T>A, p.Phe15Tyr (NM_001243564.2, NM_001243565.2, NM_024887.4); c.-259T>A (NM_001319959.2); short protein forms F15Y.
Identifiers: ClinVar variation 2762104 (VCV002762104.3), dbSNP rs2524405397, ClinGen allele CA339137084.